The following is an entry in ClinVar:

ClinVar aggregate classification (germline): Uncertain significance. Review status: criteria provided, multiple submitters, no conflicts (2 of 4 stars). 2 submissions from 2 submitters: Uncertain significance (2). Last evaluated 2025-11-23.

Conditions:
Hereditary cancer-predisposing syndrome. Also called: Hereditary neoplastic syndrome; Neoplastic Syndromes, Hereditary; Tumor predisposition; Hereditary Cancer Syndrome. Identifiers: Orphanet 140162, MedGen C0027672, MeSH D009386, MONDO:0015356.
Familial cancer of breast. Also called: Hereditary breast cancer; hereditary breast carcinoma; BREAST CANCER, FAMILIAL. Identifiers: Orphanet 227535, MedGen C0346153, MONDO:0016419, OMIM 114480. Disease mechanism: loss of function.

Submissions (2):

Labcorp Genetics (formerly Invitae), Labcorp
Classification: Uncertain significance for Familial cancer of breast. Last evaluated: 2025-11-23. Review status: criteria provided, single submitter. Criteria: Invitae Variant Classification Sherloc (09022015). Collection method: clinical testing. Allele origin: germline.
Comment: This sequence change replaces threonine, which is neutral and polar, with serine, which is neutral and polar, at codon 205 of the CHEK2 protein (p.Thr205Ser). This variant is not present in population databases (gnomAD no frequency). This variant has not been reported in the literature in individuals affected with CHEK2-related conditions. ClinVar contains an entry for this variant (Variation ID: 1007008). An algorithm developed to predict the effect of missense changes on protein structure and function (PolyPhen-2) suggests that this variant is likely to be tolerated. In summary, the available evidence is currently insufficient to determine the role of this variant in disease. Therefore, it has been classified as a Variant of Uncertain Significance.

Ambry Genetics
Classification: Uncertain significance for Hereditary cancer-predisposing syndrome. Last evaluated: 2025-05-07. Review status: criteria provided, single submitter. Criteria: Ambry Variant Classification Scheme 2023. Collection method: clinical testing. Allele origin: germline.
Comment: The p.T205S variant (also known as c.614C>G), located in coding exon 4 of the CHEK2 gene, results from a C to G substitution at nucleotide position 614. The threonine at codon 205 is replaced by serine, an amino acid with similar properties. This amino acid position is well conserved in available vertebrate species. Functional studies suggest this variant is unlikely to have functional impacts on the CHEK2 gene; however, additional evidence is needed to confirm this finding (Delimitsou A et al. Hum Mutat, 2019 May;40:631-648; Boonen RACM et al. Trends Cancer, 2022 Sep;8:759-770; Stolarova L et al. Clin Cancer Res, 2023 Aug;29:3037-3050; Boonen RACM et al. Cancer Res, 2022 Feb;82:615-631). In addition, the in silico prediction for this alteration is inconclusive. Based on the available evidence, the clinical significance of this variant remains unclear.

Literature cited by the submitters: PubMed 30851065 (cited by Ambry Genetics); PubMed 34903604 (cited by Ambry Genetics); PubMed 35643632 (cited by Ambry Genetics); PubMed 37449874 (cited by Ambry Genetics).

NM_007194.4(CHEK2):c.614C>G (p.Thr205Ser)

Gene: CHEK2 (checkpoint kinase 2; minus strand). Cytogenetic location: 22q12.1.
Variant type: single nucleotide variant.
Coding change: c.614C>G on transcript NM_007194.4 (MANE Select); coding-DNA position 614, C replaced by G.
Protein change: p.Thr205Ser; replaces threonine 205 with serine.
Molecular consequence: missense variant. On other transcripts: 5 prime UTR variant (2), intron variant (1).
Genome position (GRCh38, 1-based): chr22:28,719,464, G>C on the plus strand (C>G on the coding strand, the complement: CHEK2 is on the minus strand). VCF-style: chr22-28719464-G-C. GRCh37 (hg19) VCF-style: chr22-29115452-G-C.
Other names: c.743C>G, p.Thr248Ser (NM_001005735.3, NM_001438294.1); c.-50C>G (NM_001257387.3, NM_001437942.1); c.707C>G, p.Thr236Ser (NM_001438293.1, NM_001438295.1); c.614C>G, p.Thr205Ser (NM_145862.3); c.482+5422C>G (NM_001349956.3); short protein forms T205S, T248S, T236S.
Identifiers: ClinVar variation 1007008 (VCV001007008.10), dbSNP rs759734429, ClinGen allele CA411105112.
Genomic context (GRCh38, chr22:28,719,464, plus strand): 5'-GTTTTTGACATGATGTATTCATCTCTTAATGCCTTAGGATAAACTGACTGATCATCTACA[G>C]TCAGATCAAAAAAGACAAAAACTAAGGAAGAAAAGAGTAGAAATGGGTTTCATTAATTTA-3'
Protein context (NP_009125.1, residues 195-215): RNKVFVFFDL[Thr205Ser]VDDQSVYPKA